The following is an entry in ClinVar:

ClinVar aggregate classification (germline): Uncertain significance (1 of 4 stars; one submission).

Conditions:
Autosomal recessive limb-girdle muscular dystrophy type 2P. Also called: MUSCULAR DYSTROPHY, LIMB-GIRDLE, TYPE 2P; Limb-Girdle Muscular Dystrophy Type 9C; MUSCULAR DYSTROPHY-DYSTROGLYCANOPATHY, LIMB-GIRDLE, DAG1-RELATED. Identifiers: Orphanet 280333, MedGen C4511963, MONDO:0013440, OMIM 613818.
Muscular dystrophy-dystroglycanopathy (congenital with brain and eye anomalies), type A9. Also called: WALKER-WARBURG SYNDROME OR MUSCLE-EYE BRAIN DISEASE, DAG1-RELATED; Muscular dystrophy-dystroglycanopathy (congenital with brain and eye anomalies), type a, 9. Identifiers: Orphanet 370997, Orphanet 899, MedGen C4225291, MONDO:0014683, OMIM 616538.

Submission:

Labcorp Genetics (formerly Invitae), Labcorp
Classification: Uncertain significance for Autosomal recessive limb-girdle muscular dystrophy type 2P; Muscular dystrophy-dystroglycanopathy (congenital with brain and eye anomalies), type A9. Last evaluated: 2024-04-12. Review status: criteria provided, single submitter. Criteria: Invitae Variant Classification Sherloc (09022015). Collection method: clinical testing. Allele origin: germline.
Comment: This sequence change replaces methionine, which is neutral and non-polar, with isoleucine, which is neutral and non-polar, at codon 354 of the DAG1 protein (p.Met354Ile). This variant is not present in population databases (gnomAD no frequency). This variant has not been reported in the literature in individuals affected with DAG1-related conditions. Advanced modeling of protein sequence and biophysical properties (such as structural, functional, and spatial information, amino acid conservation, physicochemical variation, residue mobility, and thermodynamic stability) performed at Invitae indicates that this missense variant is not expected to disrupt DAG1 protein function with a negative predictive value of 80%. In summary, the available evidence is currently insufficient to determine the role of this variant in disease. Therefore, it has been classified as a Variant of Uncertain Significance.

NM_004393.6(DAG1):c.1062G>T (p.Met354Ile)

Gene: DAG1 (dystroglycan 1; plus strand). Cytogenetic location: 3p21.31.
Variant type: single nucleotide variant.
Coding change: c.1062G>T on transcript NM_004393.6 (MANE Select); coding-DNA position 1062, G replaced by T.
Protein change: p.Met354Ile; replaces methionine 354 with isoleucine.
Molecular consequence: missense variant.
Genome position (GRCh38, 1-based): chr3:49,531,573, G>T. VCF-style: chr3-49531573-G-T. GRCh37 (hg19) VCF-style: chr3-49569006-G-T.
Other names: c.1062G>T, p.Met354Ile (NM_001165928.4, NM_001177634.3, NM_001177635.3 and 9 more transcripts); short protein forms M354I.
Identifiers: ClinVar variation 3755824 (VCV003755824.2).